The following is an entry in ClinVar:

ClinVar aggregate classification (germline): Uncertain significance (1 of 4 stars; one submission).

Conditions:
Isovaleryl-CoA dehydrogenase deficiency (IVA). Also called: ISOVALERIC ACID CoA DEHYDROGENASE DEFICIENCY; Isovaleric acidemia; IVD DEFICIENCY; Classic Isovaleric Acidemia. Identifiers: Orphanet 33, MedGen C0268575, MONDO:0009475, OMIM 243500.

Submission:

Labcorp Genetics (formerly Invitae), Labcorp
Classification: Uncertain significance for Isovaleryl-CoA dehydrogenase deficiency. Last evaluated: 2022-02-15. Review status: criteria provided, single submitter. Criteria: Invitae Variant Classification Sherloc (09022015). Collection method: clinical testing. Allele origin: germline.
Comment: This variant has not been reported in the literature in individuals affected with IVD-related conditions. Algorithms developed to predict the effect of missense changes on protein structure and function are either unavailable or do not agree on the potential impact of this missense change (SIFT: "Deleterious"; PolyPhen-2: "Probably Damaging"; Align-GVGD: "Class C0"). In summary, the available evidence is currently insufficient to determine the role of this variant in disease. Therefore, it has been classified as a Variant of Uncertain Significance. This sequence change replaces alanine, which is neutral and non-polar, with aspartic acid, which is acidic and polar, at codon 227 of the IVD protein (p.Ala227Asp). This variant is not present in population databases (gnomAD no frequency).

NM_002225.5(IVD):c.671C>A (p.Ala224Asp)

Gene: IVD (isovaleryl-CoA dehydrogenase; plus strand). Cytogenetic location: 15q15.1.
Variant type: single nucleotide variant.
Coding change: c.671C>A on transcript NM_002225.5 (MANE Select); coding-DNA position 671, C replaced by A.
Protein change: p.Ala224Asp; replaces alanine 224 with aspartic acid.
Molecular consequence: missense variant. On other transcripts: non-coding transcript variant (1).
Genome position (GRCh38, 1-based): chr15:40,411,675, C>A. VCF-style: chr15-40411675-C-A. GRCh37 (hg19) VCF-style: chr15-40703874-C-A.
Other names: c.581C>A, p.Ala194Asp (NM_001159508.3); c.623C>A, p.Ala208Asp (NM_001354597.3); c.671C>A, p.Ala224Asp (NM_001354598.3, NM_001354601.3); c.758C>A, p.Ala253Asp (NM_001354599.3, NM_001354600.3); short protein forms A208D, A253D, A194D, A224D.
Identifiers: ClinVar variation 2097740 (VCV002097740.4), dbSNP rs2542698337, ClinGen allele CA391717904.